The following is an entry in ClinVar:

NM_016038.4(SBDS):c.326G>A (p.Arg109Lys)

Gene: SBDS (SBDS ribosome maturation factor; minus strand). Cytogenetic location: 7q11.21.
Variant type: single nucleotide variant.
Coding change: c.326G>A on transcript NM_016038.4 (MANE Select); coding-DNA position 326, G replaced by A.
Protein change: p.Arg109Lys; replaces arginine 109 with lysine.
Molecular consequence: missense variant.
Genome position (GRCh38, 1-based): chr7:66,993,350, C>T on the plus strand (G>A on the coding strand, the complement: SBDS is on the minus strand). VCF-style: chr7-66993350-C-T. GRCh37 (hg19) VCF-style: chr7-66458337-C-T.
Other names: short protein forms R109K.
Identifiers: ClinVar variation 5029033 (VCV005029033.1).

ClinVar aggregate classification (germline): Uncertain significance (1 of 4 stars; one submission).

Conditions:
Inborn genetic diseases. Identifiers: MedGen C0950123, MeSH D030342.

Submission:

Ambry Genetics
Classification: Uncertain significance for Inborn genetic diseases. Last evaluated: 2026-08-01. Review status: criteria provided, single submitter. Criteria: Ambry Variant Classification Scheme 2023. Collection method: clinical testing. Allele origin: germline.
Comment: The p.R109K variant (also known as c.326G>A), located in coding exon 3 of the SBDS gene, results from a G to A substitution at nucleotide position 326. The arginine at codon 109 is replaced by lysine, an amino acid with highly similar properties. This amino acid position is conserved. In addition, the in silico prediction for this alteration is inconclusive. Based on the available evidence, the clinical significance of this variant remains unclear.